The following is an entry in ClinVar:

ClinVar aggregate classification (germline): Benign (0 of 4 stars; one submission).

Conditions:
NHLRC2-related disorder. Also called: NHLRC2-related condition.

Allele frequency attached by ClinVar (database versions not stated): gnomAD 0.01212; gnomAD exomes 0.01416; ExAC 0.01483; 1000 Genomes Project 30x 0.00547; 1000 Genomes Project 0.00579; TOPMed 0.00978; ESP Exome Variant Server 0.01035.
gnomAD v4.1: 20,123 of 1,448,580 alleles (1.4%); highest among the groups gnomAD compares: Non-Finnish European, 1.5%; 202 homozygotes.

Submissions (12):

PreventionGenetics, part of Exact Sciences
Classification: Benign for NHLRC2-related condition. Last evaluated: 2019-05-16. Review status: no assertion criteria provided. Collection method: clinical testing. Allele origin: germline.
Comment: This variant is classified as benign based on ACMG/AMP sequence variant interpretation guidelines (Richards et al. 2015 PMID: 25741868, with internal and published modifications).

Dr. Peter K. Rogan Lab, Western University
No classification provided (evidence only). Condition: Acute myeloid leukemia. Review status: no classification provided. Collection method: in vitro. Allele origin: not applicable. Functional consequence: retained intron. Not counted in ClinVar's aggregate classification.

Dr. Peter K. Rogan Lab, Western University
No classification provided (evidence only). Condition: Sarcoma. Review status: no classification provided. Collection method: in vitro. Allele origin: not applicable. Functional consequence: retained intron. Not counted in ClinVar's aggregate classification.

Dr. Peter K. Rogan Lab, Western University
No classification provided (evidence only). Condition: Sarcoma. Review status: no classification provided. Collection method: in vitro. Allele origin: not applicable. Functional consequence: retained intron. Not counted in ClinVar's aggregate classification.

Dr. Peter K. Rogan Lab, Western University
No classification provided (evidence only). Condition: Malignant lymphoma, large B-cell, diffuse. Review status: no classification provided. Collection method: in vitro. Allele origin: not applicable. Functional consequence: retained intron. Not counted in ClinVar's aggregate classification.

Dr. Peter K. Rogan Lab, Western University
No classification provided (evidence only). Condition: Thymoma. Review status: no classification provided. Collection method: in vitro. Allele origin: not applicable. Functional consequence: retained intron. Not counted in ClinVar's aggregate classification.

Dr. Peter K. Rogan Lab, Western University
No classification provided (evidence only). Condition: Ovarian serous cystadenocarcinoma. Review status: no classification provided. Collection method: in vitro. Allele origin: not applicable. Functional consequence: retained intron. Not counted in ClinVar's aggregate classification.

Dr. Peter K. Rogan Lab, Western University
No classification provided (evidence only). Condition: Ovarian serous cystadenocarcinoma. Review status: no classification provided. Collection method: in vitro. Allele origin: not applicable. Functional consequence: retained intron. Not counted in ClinVar's aggregate classification.

Dr. Peter K. Rogan Lab, Western University
No classification provided (evidence only). Condition: Ovarian serous cystadenocarcinoma. Review status: no classification provided. Collection method: in vitro. Allele origin: not applicable. Functional consequence: retained intron. Not counted in ClinVar's aggregate classification.

Dr. Peter K. Rogan Lab, Western University
No classification provided (evidence only). Condition: Gastric cancer. Review status: no classification provided. Collection method: in vitro. Allele origin: not applicable. Functional consequence: retained intron. Not counted in ClinVar's aggregate classification.

Dr. Peter K. Rogan Lab, Western University
No classification provided (evidence only). Condition: Malignant tumor of esophagus. Review status: no classification provided. Collection method: in vitro. Allele origin: not applicable. Functional consequence: retained intron. Not counted in ClinVar's aggregate classification.

Dr. Peter K. Rogan Lab, Western University
No classification provided (evidence only). Condition: Malignant tumor of esophagus. Review status: no classification provided. Collection method: in vitro. Allele origin: not applicable. Functional consequence: retained intron. Not counted in ClinVar's aggregate classification.

NM_198514.4(NHLRC2):c.909+6T>A

Gene: NHLRC2 (NHL repeat containing 2; plus strand). Cytogenetic location: 10q25.3.
Variant type: single nucleotide variant.
Coding change: c.909+6T>A on transcript NM_198514.4 (MANE Select); 6 bases into the intron after coding-DNA position 909, T replaced by A.
Molecular consequence: intron variant.
Genome position (GRCh38, 1-based): chr10:113,879,701, T>A. VCF-style: chr10-113879701-T-A. GRCh37 (hg19) VCF-style: chr10-115639460-T-A.
Other names: NC_000010.10:g.115639460T>A.
Identifiers: ClinVar variation 3041791 (VCV003041791.3), dbSNP rs41292638, ClinGen allele CA5697869.
Genomic context (GRCh38, chr10:113,879,701, plus strand): 5'-CATAATGAATAATATCATATATGTGGCAGACACTGAAAACCACCTTATAAGAAAGGTAAT[T>A]TTCATTTTAAATTTGTTTTAATACTTACAATCAGAAAAAGGAAATGTATTTGCTACATTA-3'